The following is an entry in ClinVar:

NM_170754.4(TNS2):c.2480G>A (p.Arg827Gln)

Gene: TNS2 (tensin 2; plus strand). Cytogenetic location: 12q13.13.
Variant type: single nucleotide variant.
Coding change: c.2480G>A on transcript NM_170754.4 (MANE Select); coding-DNA position 2480, G replaced by A.
Protein change: p.Arg827Gln; replaces arginine 827 with glutamine.
Molecular consequence: missense variant.
Genome position (GRCh38, 1-based): chr12:53,060,121, G>A. VCF-style: chr12-53060121-G-A. GRCh37 (hg19) VCF-style: chr12-53453905-G-A.
Other names: c.2480G>A, p.Arg827Gln (NM_001416202.1); c.2438G>A, p.Arg813Gln (NM_001416203.1); c.2507G>A, p.Arg836Gln (NM_001416204.1); c.2411G>A, p.Arg804Gln (NM_015319.3); c.2108G>A, p.Arg703Gln (NM_198316.2); short protein forms R703Q, R837Q, R827Q, R804Q, R813Q, R836Q.
Identifiers: ClinVar variation 2045629 (VCV002045629.29), dbSNP rs114172228, ClinGen allele CA6592600.

ClinVar aggregate classification (germline): Conflicting classifications of pathogenicity. Review status: criteria provided, conflicting classifications (1 of 4 stars). 3 submissions from 3 submitters: Uncertain significance (1); Benign (1); Likely benign (1). Last evaluated 2026-01-28.

Allele frequency attached by ClinVar (database versions not stated): gnomAD exomes 0.00029; ExAC 0.00090; ESP Exome Variant Server 0.00261; gnomAD 0.00279; TOPMed 0.00297; 1000 Genomes Project 30x 0.00312; 1000 Genomes Project 0.00339.
gnomAD v4.1: 874 of 1,610,816 alleles (0.054%); highest among the groups gnomAD compares: African/African-American, 0.99%; 8 homozygotes.

Submissions (4):

Labcorp Genetics (formerly Invitae), Labcorp
Classification: Benign. Last evaluated: 2026-01-28. Review status: criteria provided, single submitter. Criteria: Invitae Variant Classification Sherloc (09022015). Collection method: clinical testing. Allele origin: germline.

Ambry Genetics
Classification: Uncertain significance. Last evaluated: 2025-11-26. Review status: criteria provided, single submitter. Criteria: Ambry Variant Classification Scheme 2023. Collection method: clinical testing. Allele origin: germline.

CeGaT Center for Human Genetics Tuebingen
Classification: Likely benign. Last evaluated: 2023-01-01. Review status: criteria provided, single submitter. Criteria: CeGaT Center For Human Genetics Tuebingen Variant Classification Criteria Version 2. Collection method: clinical testing. Allele origin: germline. Affected: yes. Observed: 1 variant allele.
Comment: TNS2: BP4, BS2

Dr. Peter K. Rogan Lab, Western University
No classification provided (evidence only). Condition: Colon adenocarcinoma. Review status: no classification provided. Collection method: in vitro. Allele origin: not applicable. Functional consequence: retained intron. Not counted in ClinVar's aggregate classification.